The following is an entry in ClinVar:

NM_001963.6(EGF):c.465T>G (p.Ser155Arg)

Gene: EGF (epidermal growth factor; plus strand). Cytogenetic location: 4q25.
Variant type: single nucleotide variant.
Coding change: c.465T>G on transcript NM_001963.6 (MANE Select); coding-DNA position 465, T replaced by G.
Protein change: p.Ser155Arg; replaces serine 155 with arginine.
Molecular consequence: missense variant.
Genome position (GRCh38, 1-based): chr4:109,943,391, T>G. VCF-style: chr4-109943391-T-G. GRCh37 (hg19) VCF-style: chr4-110864547-T-G.
Other names: c.465T>G, p.Ser155Arg (NM_001178130.3, NM_001178131.3, NM_001357021.2); short protein forms S155R.
Identifiers: ClinVar variation 1941820 (VCV001941820.5), dbSNP rs138035348, ClinGen allele CA3043419.

ClinVar aggregate classification (germline): Uncertain significance (1 of 4 stars; one submission).

Allele frequency attached by ClinVar (database versions not stated): ExAC 0.00002; ESP Exome Variant Server 0.00008; TOPMed 0.00008; gnomAD exomes below 0.00001; gnomAD 0.00010.
gnomAD v4.1: 18 of 1,613,696 alleles (0.0011%); highest among the groups gnomAD compares: African/African-American, 0.021%; no homozygotes.

Submission:

Labcorp Genetics (formerly Invitae), Labcorp
Classification: Uncertain significance. Last evaluated: 2022-03-14. Review status: criteria provided, single submitter. Criteria: Invitae Variant Classification Sherloc (09022015). Collection method: clinical testing. Allele origin: germline.
Comment: In summary, the available evidence is currently insufficient to determine the role of this variant in disease. Therefore, it has been classified as a Variant of Uncertain Significance. Algorithms developed to predict the effect of missense changes on protein structure and function output the following: SIFT: "Not Available"; PolyPhen-2: "Benign"; Align-GVGD: "Not Available". The arginine amino acid residue is found in multiple mammalian species, which suggests that this missense change does not adversely affect protein function. This variant has not been reported in the literature in individuals affected with EGF-related conditions. This variant is present in population databases (rs138035348, gnomAD 0.03%). This sequence change replaces serine, which is neutral and polar, with arginine, which is basic and polar, at codon 155 of the EGF protein (p.Ser155Arg).